The following is an entry in ClinVar:

ClinVar aggregate classification (germline): Uncertain significance (1 of 4 stars; one submission).

Submission:

Dasa
Classification: Uncertain significance. Last evaluated: 2026-06-16. Review status: criteria provided, single submitter. Criteria: DASA Assertion Criteria. Collection method: clinical testing. Allele origin: germline.
Comment: NM_015178.3(RHOBTB2):c.232G>T (p.Val78Phe) is a missense variant that results in the substitution of valine with phenylalanine. This variant is rare in population databases. Computational prediction algorithms are consistent with a deleterious effect. The currently available literature and clinical evidence are not sufficient to establish a definitive association between this variant and the reported condition. Therefore, this variant is classified as a variant of uncertain significance.

NM_015178.3(RHOBTB2):c.232G>T (p.Val78Phe)

Gene: RHOBTB2 (Rho related BTB domain containing 2; plus strand). Cytogenetic location: 8p21.3.
Variant type: single nucleotide variant.
Coding change: c.232G>T on transcript NM_015178.3 (MANE Select); coding-DNA position 232, G replaced by T.
Protein change: p.Val78Phe; replaces valine 78 with phenylalanine.
Molecular consequence: missense variant.
Genome position (GRCh38, 1-based): chr8:23,005,411, G>T. VCF-style: chr8-23005411-G-T. GRCh37 (hg19) VCF-style: chr8-22862924-G-T.
Other names: c.298G>T, p.Val100Phe (NM_001160036.2); c.253G>T, p.Val85Phe (NM_001160037.2); c.232G>T, p.Val78Phe (NM_001374791.1); short protein forms V100F, V78F, V85F.
Identifiers: ClinVar variation 5020362 (VCV005020362.1).